The following is an entry in ClinVar:

NM_024928.5(STN1):c.424A>G (p.Arg142Gly)

Gene: STN1 (STN1 subunit of CST complex; minus strand). Cytogenetic location: 10q24.33.
Variant type: single nucleotide variant.
Coding change: c.424A>G on transcript NM_024928.5 (MANE Select); coding-DNA position 424, A replaced by G.
Protein change: p.Arg142Gly; replaces arginine 142 with glycine.
Molecular consequence: missense variant.
Genome position (GRCh38, 1-based): chr10:103,900,095, T>C on the plus strand (A>G on the coding strand, the complement: STN1 is on the minus strand). VCF-style: chr10-103900095-T-C. GRCh37 (hg19) VCF-style: chr10-105659853-T-C.
Other names: short protein forms R142G.
Identifiers: ClinVar variation 1998346 (VCV001998346.1), dbSNP rs2493038305, ClinGen allele CA378047284.

ClinVar aggregate classification (germline): Uncertain significance (1 of 4 stars; one submission).

Allele frequency attached by ClinVar (database versions not stated): gnomAD exomes below 0.00001.

Submission:

Labcorp Genetics (formerly Invitae), Labcorp
Classification: Uncertain significance. Last evaluated: 2022-05-24. Review status: criteria provided, single submitter. Criteria: Invitae Variant Classification Sherloc (09022015). Collection method: clinical testing. Allele origin: germline.
Comment: This sequence change replaces arginine, which is basic and polar, with glycine, which is neutral and non-polar, at codon 142 of the STN1 protein (p.Arg142Gly). This variant is not present in population databases (gnomAD no frequency). This variant has not been reported in the literature in individuals affected with STN1-related conditions. Algorithms developed to predict the effect of missense changes on protein structure and function (SIFT, PolyPhen-2, Align-GVGD) all suggest that this variant is likely to be disruptive. In summary, the available evidence is currently insufficient to determine the role of this variant in disease. Therefore, it has been classified as a Variant of Uncertain Significance.